The following is an entry in ClinVar:

ClinVar aggregate classification (germline): Uncertain significance (1 of 4 stars; one submission).

Allele frequency attached by ClinVar (database versions not stated): gnomAD exomes below 0.00001; TOPMed below 0.00001; ExAC 0.00001; gnomAD 0.00001.
gnomAD v4.1: 9 of 1,614,054 alleles (0.00056%); highest among the groups gnomAD compares: Middle Eastern, 0.033%; no homozygotes.

Submission:

Labcorp Genetics (formerly Invitae), Labcorp
Classification: Uncertain significance. Last evaluated: 2024-05-15. Review status: criteria provided, single submitter. Criteria: Invitae Variant Classification Sherloc (09022015). Collection method: clinical testing. Allele origin: germline.
Comment: This sequence change replaces leucine, which is neutral and non-polar, with phenylalanine, which is neutral and non-polar, at codon 248 of the PIGV protein (p.Leu248Phe). This variant is present in population databases (rs750687040, gnomAD 0.003%). This variant has not been reported in the literature in individuals affected with PIGV-related conditions. ClinVar contains an entry for this variant (Variation ID: 2185363). Advanced modeling of protein sequence and biophysical properties (such as structural, functional, and spatial information, amino acid conservation, physicochemical variation, residue mobility, and thermodynamic stability) performed at Invitae indicates that this missense variant is not expected to disrupt PIGV protein function with a negative predictive value of 80%. In summary, the available evidence is currently insufficient to determine the role of this variant in disease. Therefore, it has been classified as a Variant of Uncertain Significance.

NM_017837.4(PIGV):c.742C>T (p.Leu248Phe)

Gene: PIGV (phosphatidylinositol glycan anchor biosynthesis class V; plus strand). Cytogenetic location: 1p36.11.
Variant type: single nucleotide variant.
Coding change: c.742C>T on transcript NM_017837.4 (MANE Select); coding-DNA position 742, C replaced by T.
Protein change: p.Leu248Phe; replaces leucine 248 with phenylalanine.
Molecular consequence: missense variant. On other transcripts: non-coding transcript variant (1), intron variant (3).
Genome position (GRCh38, 1-based): chr1:26,794,776, C>T. VCF-style: chr1-26794776-C-T. GRCh37 (hg19) VCF-style: chr1-27121267-C-T.
Other names: c.742C>T, p.Leu248Phe (NM_001202554.2, NM_001374478.1, NM_001374480.1 and 2 more transcripts); c.361C>T, p.Leu121Phe (NM_001374483.1); c.173-58C>T (NM_001374484.1, NM_001374485.1); c.79-2787C>T (NM_001374486.1); short protein forms L248F, L121F.
Identifiers: ClinVar variation 2185363 (VCV002185363.4), dbSNP rs750687040, ClinGen allele CA708109.